The following is an entry in ClinVar:

ClinVar aggregate classification (germline): Uncertain significance (1 of 4 stars; one submission).

Submission:

Labcorp Genetics (formerly Invitae), Labcorp
Classification: Uncertain significance. Last evaluated: 2025-11-03. Review status: criteria provided, single submitter. Criteria: Invitae Variant Classification Sherloc (09022015). Collection method: clinical testing. Allele origin: germline.
Comment: This sequence change replaces alanine, which is neutral and non-polar, with valine, which is neutral and non-polar, at codon 394 of the NEFH protein (p.Ala394Val). This variant is present in population databases (rs752243905, gnomAD 0.002%). This variant has not been reported in the literature in individuals affected with NEFH-related conditions. Invitae Evidence Modeling of protein sequence and biophysical properties (such as structural, functional, and spatial information, amino acid conservation, physicochemical variation, residue mobility, and thermodynamic stability) indicates that this missense variant is expected to disrupt NEFH protein function with a positive predictive value of 95%. In summary, the available evidence is currently insufficient to determine the role of this variant in disease. Therefore, it has been classified as a Variant of Uncertain Significance.

NM_021076.4(NEFH):c.1181C>T (p.Ala394Val)

Gene: NEFH (neurofilament heavy chain; plus strand). Cytogenetic location: 22q12.2.
Variant type: single nucleotide variant.
Coding change: c.1181C>T on transcript NM_021076.4 (MANE Select); coding-DNA position 1181, C replaced by T.
Protein change: p.Ala394Val; replaces alanine 394 with valine.
Molecular consequence: missense variant.
Genome position (GRCh38, 1-based): chr22:29,485,820, C>T. VCF-style: chr22-29485820-C-T. GRCh37 (hg19) VCF-style: chr22-29881809-C-T.
Other names: short protein forms A394V.
Identifiers: ClinVar variation 4707666 (VCV004707666.1).